The following is an entry in ClinVar:

NM_018979.4(WNK1):c.5624A>G (p.Asn1875Ser)

Gene: WNK1 (WNK lysine deficient protein kinase 1; plus strand). Cytogenetic location: 12p13.33.
Variant type: single nucleotide variant.
Coding change: c.5624A>G on transcript NM_018979.4 (MANE Select); coding-DNA position 5624, A replaced by G.
Protein change: p.Asn1875Ser; replaces asparagine 1875 with serine.
Molecular consequence: missense variant.
Genome position (GRCh38, 1-based): chr12:896,111, A>G. VCF-style: chr12-896111-A-G. GRCh37 (hg19) VCF-style: chr12-1005277-A-G.
Other names: c.6404A>G, p.Asn2135Ser (NM_001184985.2); c.4880A>G, p.Asn1627Ser (NM_014823.3); c.6380A>G, p.Asn2127Ser (NM_213655.5); short protein forms N1627S, N2127S, N2135S, N1875S.
Identifiers: ClinVar variation 1520716 (VCV001520716.6), dbSNP rs199778730, ClinGen allele CA383334492.

ClinVar aggregate classification (germline): Uncertain significance (1 of 4 stars; one submission).

Conditions:
Neuropathy, hereditary sensory and autonomic, type 2A (HSAN2A). Also called: HSAN IIA; ACROOSTEOLYSIS, GIACCAI TYPE; ACROOSTEOLYSIS, NEUROGENIC; MORVAN DISEASE; NEUROPATHY, CONGENITAL SENSORY; NEUROPATHY, HEREDITARY SENSORY RADICULAR, AUTOSOMAL RECESSIVE. Identifiers: Orphanet 970, MedGen C2752089, MONDO:0024309, OMIM 201300.
Pseudohypoaldosteronism type 2C (PHA2C). Also called: Pseudohypoaldosteronism Type IIC. Identifiers: Orphanet 757, Orphanet 88940, MedGen C1840391, MONDO:0013778, OMIM 614492.

Submission:

Labcorp Genetics (formerly Invitae), Labcorp
Classification: Uncertain significance for Neuropathy, hereditary sensory and autonomic, type 2A; Pseudohypoaldosteronism type 2C. Last evaluated: 2021-11-08. Review status: criteria provided, single submitter. Criteria: Invitae Variant Classification Sherloc (09022015). Collection method: clinical testing. Allele origin: germline.
Comment: This sequence change replaces asparagine, which is neutral and polar, with serine, which is neutral and polar, at codon 2127 of the WNK1 protein (p.Asn2127Ser). This variant is not present in population databases (gnomAD no frequency). This variant has not been reported in the literature in individuals affected with WNK1-related conditions. Advanced modeling of protein sequence and biophysical properties (such as structural, functional, and spatial information, amino acid conservation, physicochemical variation, residue mobility, and thermodynamic stability) performed at Invitae indicates that this missense variant is not expected to disrupt WNK1 protein function. Algorithms developed to predict the effect of sequence changes on RNA splicing suggest that this variant may create or strengthen a splice site. In summary, the available evidence is currently insufficient to determine the role of this variant in disease. Therefore, it has been classified as a Variant of Uncertain Significance.